The following is an entry in ClinVar:

ClinVar aggregate classification (germline): Likely benign (1 of 4 stars; one submission).

Conditions:
SCAPER-related disorder. Also called: SCAPER-related condition.

Submission:

PreventionGenetics, part of Exact Sciences
Classification: Likely benign for SCAPER-related condition. Last evaluated: 2026-06-04. Review status: criteria provided, single submitter. Criteria: ACMG Guidelines, 2015. Collection method: clinical testing. Allele origin: germline.
Comment: This variant is classified as likely benign based on ACMG/AMP sequence variant interpretation guidelines (Richards et al. 2015 PMID: 25741868, with internal and published modifications).

NM_020843.4(SCAPER):c.3079-8dup

Genes: SCAPER (S-phase cyclin A associated protein in the ER; minus strand), LOC126862183 (BRD4-independent group 4 enhancer GRCh37_chr15:76726060-76727259; plus strand). Cytogenetic location: 15q24.3.
Variant type: Duplication.
Coding change: c.3079-8dup on transcript NM_020843.4 (MANE Select); 8 bases into the intron before coding-DNA position 3079, one base duplicated (T; older notation c.3079-8dupT).
Molecular consequence: intron variant.
Genome position (GRCh38, 1-based): chr15:76,434,318, A duplicated on the plus strand (T on the coding strand, the reverse complement: SCAPER is on the minus strand); the first of 8 consecutive A bases (chr15:76,434,318-76,434,325); duplicating any one gives the same sequence. VCF-style (leftmost placement, unchanged base first): chr15-76434317-G-GA. GRCh37 (hg19) VCF-style: chr15-76726658-G-GA.
Other names: c.2695-8dup (NM_001353011.2); c.2677-8dup (NM_001353012.2, NM_001353010.2); c.3097-8dup (NM_001353009.2); c.2341-8dup (NM_001145923.2).
Identifiers: ClinVar variation 4993186 (VCV004993186.1).